The following is an entry in ClinVar:

ClinVar aggregate classification (germline): Conflicting classifications of pathogenicity. Review status: criteria provided, conflicting classifications (1 of 4 stars). 3 submissions from 3 submitters: Uncertain significance (2); Likely benign (1). Last evaluated 2024-02-23.

Conditions:
Neuropathy, hereditary sensory, type 1D. Identifiers: Orphanet 36386, MedGen C3150972, MONDO:0013381, OMIM 613708.
Hereditary spastic paraplegia 3A (SPG3A). Also called: Spastic paraplegia 3A, autosomal dominant; SPASTIC PARAPLEGIA 3, AUTOSOMAL DOMINANT; FAMILIAL SPASTIC PARAPLEGIA, AUTOSOMAL DOMINANT, 1; SPG3; STRUMPELL DISEASE; Spastic Paraplegia 3A. Identifiers: Orphanet 100984, MedGen C2931355, MONDO:0008437, OMIM 182600.

Allele frequency attached by ClinVar (database versions not stated): ExAC 0.00001; gnomAD 0.00001; TOPMed 0.00001; gnomAD exomes 0.00002.
gnomAD v4.1: 14 of 1,613,506 alleles (0.00087%); highest among the groups gnomAD compares: Admixed American, 0.0017%; no homozygotes.

Submissions (3):

Labcorp Genetics (formerly Invitae), Labcorp
Classification: Uncertain significance for Hereditary spastic paraplegia 3A. Last evaluated: 2024-02-23. Review status: criteria provided, single submitter. Criteria: Invitae Variant Classification Sherloc (09022015). Collection method: clinical testing. Allele origin: germline.
Comment: This sequence change replaces glutamic acid, which is acidic and polar, with lysine, which is basic and polar, at codon 308 of the ATL1 protein (p.Glu308Lys). This variant is present in population databases (rs773401705, gnomAD 0.003%). This variant has not been reported in the literature in individuals affected with ATL1-related conditions. ClinVar contains an entry for this variant (Variation ID: 425042). Advanced modeling of protein sequence and biophysical properties (such as structural, functional, and spatial information, amino acid conservation, physicochemical variation, residue mobility, and thermodynamic stability) performed at Invitae indicates that this missense variant is not expected to disrupt ATL1 protein function with a negative predictive value of 95%. In summary, the available evidence is currently insufficient to determine the role of this variant in disease. Therefore, it has been classified as a Variant of Uncertain Significance.

CeGaT Center for Human Genetics Tuebingen
Classification: Likely benign. Last evaluated: 2022-07-01. Review status: criteria provided, single submitter. Criteria: CeGaT Center For Human Genetics Tuebingen Variant Classification Criteria Version 2. Collection method: clinical testing. Allele origin: germline. Affected: yes. Observed: 2 variant alleles.
Comment: ATL1: BP4

Baylor Genetics
Classification: Uncertain significance for Neuropathy, hereditary sensory, type 1D. Last evaluated: 2018-01-16. Review status: criteria provided, single submitter. Criteria: ACMG Guidelines, 2015. Collection method: clinical testing. Allele origin: paternal. Affected: yes.
Comment: This variant was determined to be of uncertain significance according to ACMG Guidelines, 2015 [PMID:25741868].

NM_015915.5(ATL1):c.922G>A (p.Glu308Lys)

Gene: ATL1 (atlastin GTPase 1; plus strand). Cytogenetic location: 14q22.1.
Variant type: single nucleotide variant.
Coding change: c.922G>A on transcript NM_015915.5 (MANE Select); coding-DNA position 922, G replaced by A.
Protein change: p.Glu308Lys; replaces glutamic acid 308 with lysine.
Molecular consequence: missense variant.
Genome position (GRCh38, 1-based): chr14:50,620,658, G>A. VCF-style: chr14-50620658-G-A. GRCh37 (hg19) VCF-style: chr14-51087376-G-A.
Other names: c.922G>A, p.Glu308Lys (NM_001127713.1, NM_181598.4); short protein forms E308K.
Identifiers: ClinVar variation 425042 (VCV000425042.49), dbSNP rs773401705, ClinGen allele CA7180365.
Genomic context (GRCh38, chr14:50,620,658, plus strand): 5'-GAAATAGATGATGAATTCATCAAAAACTTGAAAATACTGATTCCTTGGCTACTTAGTCCC[G>A]AGAGCCTAGATATTAAAGAGATCAATGGGAATAAAATCACCTGCCGGGGTCTGGTGGAGT-3'
Protein context (NP_056999.2, residues 298-318): KILIPWLLSP[Glu308Lys]SLDIKEINGN